The following is an entry in ClinVar:

ClinVar aggregate classification (germline): Uncertain significance. Review status: criteria provided, multiple submitters, no conflicts (2 of 4 stars). 2 submissions from 2 submitters: Uncertain significance (2). Last evaluated 2025-04-16.

Conditions:
DICER1-related tumor predisposition. Also called: DICER1-related pleuropulmonary blastoma cancer predisposition syndrome; DICER1 syndrome. Identifiers: Orphanet 284343, MedGen C3839822, MONDO:0100216.
Hereditary cancer-predisposing syndrome. Also called: Hereditary neoplastic syndrome; Neoplastic Syndromes, Hereditary; Tumor predisposition; Hereditary Cancer Syndrome. Identifiers: Orphanet 140162, MedGen C0027672, MeSH D009386, MONDO:0015356.

gnomAD v4.1: 1 of 1,613,886 alleles (0.000062%); no homozygotes.

Submissions (2):

Ambry Genetics
Classification: Uncertain significance for Hereditary cancer-predisposing syndrome. Last evaluated: 2025-04-16. Review status: criteria provided, single submitter. Criteria: Ambry Variant Classification Scheme 2023. Collection method: clinical testing. Allele origin: germline.
Comment: The p.V49A variant (also known as c.146T>C), located in coding exon 2 of the DICER1 gene, results from a T to C substitution at nucleotide position 146. The valine at codon 49 is replaced by alanine, an amino acid with similar properties. This amino acid position is conserved. In addition, the in silico prediction for this alteration is inconclusive. Based on the available evidence, the clinical significance of this variant remains unclear.

Labcorp Genetics (formerly Invitae), Labcorp
Classification: Uncertain significance for DICER1-related tumor predisposition. Last evaluated: 2024-10-29. Review status: criteria provided, single submitter. Criteria: Invitae Variant Classification Sherloc (09022015). Collection method: clinical testing. Allele origin: germline.
Comment: This sequence change replaces valine, which is neutral and non-polar, with alanine, which is neutral and non-polar, at codon 49 of the DICER1 protein (p.Val49Ala). This variant is not present in population databases (gnomAD no frequency). This variant has not been reported in the literature in individuals affected with DICER1-related conditions. ClinVar contains an entry for this variant (Variation ID: 412113). Invitae Evidence Modeling of protein sequence and biophysical properties (such as structural, functional, and spatial information, amino acid conservation, physicochemical variation, residue mobility, and thermodynamic stability) indicates that this missense variant is not expected to disrupt DICER1 protein function with a negative predictive value of 95%. In summary, the available evidence is currently insufficient to determine the role of this variant in disease. Therefore, it has been classified as a Variant of Uncertain Significance.

NM_177438.3(DICER1):c.146T>C (p.Val49Ala)

Gene: DICER1 (dicer 1, ribonuclease III; minus strand). Cytogenetic location: 14q32.13.
Variant type: single nucleotide variant.
Coding change: c.146T>C on transcript NM_177438.3 (MANE Select); coding-DNA position 146, T replaced by C.
Protein change: p.Val49Ala; replaces valine 49 with alanine.
Molecular consequence: missense variant.
Genome position (GRCh38, 1-based): chr14:95,132,676, A>G on the plus strand (T>C on the coding strand, the complement: DICER1 is on the minus strand). VCF-style: chr14-95132676-A-G. GRCh37 (hg19) VCF-style: chr14-95599013-A-G.
Other names: c.146T>C, p.Val49Ala (NM_001195573.1, NM_001271282.3, NM_001291628.2 and 1 more transcripts); short protein forms V49A.
Identifiers: ClinVar variation 412113 (VCV000412113.10), dbSNP rs1060503624, ClinGen allele CA16614569.